The following is an entry in ClinVar:

NM_002180.3(IGHMBP2):c.861C>G (p.Ser287Arg)

Gene: IGHMBP2 (immunoglobulin mu DNA binding protein 2; plus strand). Cytogenetic location: 11q13.3.
Variant type: single nucleotide variant.
Coding change: c.861C>G on transcript NM_002180.3 (MANE Select); coding-DNA position 861, C replaced by G.
Protein change: p.Ser287Arg; replaces serine 287 with arginine.
Molecular consequence: missense variant.
Genome position (GRCh38, 1-based): chr11:68,914,972, C>G. VCF-style: chr11-68914972-C-G. GRCh37 (hg19) VCF-style: chr11-68682440-C-G.
Other names: short protein forms S287R.
Identifiers: ClinVar variation 520707 (VCV000520707.20), dbSNP rs564645287, ClinGen allele CA6153413.

ClinVar aggregate classification (germline): Conflicting classifications of pathogenicity. Review status: criteria provided, conflicting classifications (1 of 4 stars). 6 submissions from 6 submitters: Uncertain significance (2); Likely benign (4). Last evaluated 2025-10-08.

Conditions:
IGHMBP2-related disorder. Also called: IGHMBP2-related condition; IGHMBP2-related disorders.
Charcot-Marie-Tooth disease axonal type 2S. Also called: CHARCOT-MARIE-TOOTH DISEASE, AXONAL, AUTOSOMAL RECESSIVE, TYPE 2S; CHARCOT-MARIE-TOOTH NEUROPATHY, TYPE 2S. Identifiers: Orphanet 443073, MedGen C4015349, MONDO:0014511, OMIM 616155.
Autosomal recessive distal spinal muscular atrophy 1. Also called: HMN VI; SPINAL MUSCULAR ATROPHY, DIAPHRAGMATIC; Spinal muscular atrophy with respiratory distress 1; NEURONOPATHY, SEVERE INFANTILE AXONAL, WITH RESPIRATORY FAILURE; SEVERE INFANTILE AXONAL NEUROPATHY WITH RESPIRATORY FAILURE; NEURONOPATHY, DISTAL HEREDITARY MOTOR, HARDING TYPE VI. Identifiers: Orphanet 98920, MedGen C1858517, MONDO:0011436, OMIM 604320.
Inborn genetic diseases. Identifiers: MedGen C0950123, MeSH D030342.

Allele frequency attached by ClinVar (database versions not stated): gnomAD below 0.00001 and 0.00010; TOPMed 0.00001; 1000 Genomes Project 30x 0.00031; 1000 Genomes Project 0.00040.
gnomAD v4.1: 382 of 1,614,096 alleles (0.024%); highest among the groups gnomAD compares: South Asian, 0.4%; 4 homozygotes.

Submissions (6):

PreventionGenetics, part of Exact Sciences
Classification: Likely benign for IGHMBP2-related condition. Last evaluated: 2025-10-08. Review status: criteria provided, single submitter. Criteria: ACMG Guidelines, 2015. Collection method: clinical testing. Allele origin: germline.
Comment: This variant is classified as likely benign based on ACMG/AMP sequence variant interpretation guidelines (Richards et al. 2015 PMID: 25741868, with internal and published modifications).

Labcorp Genetics (formerly Invitae), Labcorp
Classification: Likely benign for Autosomal recessive distal spinal muscular atrophy 1; Charcot-Marie-Tooth disease axonal type 2S. Last evaluated: 2025-09-05. Review status: criteria provided, single submitter. Criteria: Invitae Variant Classification Sherloc (09022015). Collection method: clinical testing. Allele origin: germline.

Revvity Omics, Revvity
Classification: Uncertain significance. Last evaluated: 2020-11-13. Review status: criteria provided, single submitter. Criteria: ACMG Guidelines, 2015. Collection method: clinical testing. Allele origin: germline.

Ambry Genetics
Classification: Likely benign for Inborn genetic diseases. Last evaluated: 2020-01-08. Review status: criteria provided, single submitter. Criteria: Ambry Variant Classification Scheme 2023. Collection method: clinical testing. Allele origin: germline.

GeneDx
Classification: Likely benign. Last evaluated: 2018-07-19. Review status: criteria provided, single submitter. Criteria: GeneDx Variant Classification Process June 2021. Collection method: clinical testing. Allele origin: germline. Affected: yes.
Comment: See Variant Classification Assertion Criteria.

Illumina Laboratory Services, Illumina
Classification: Uncertain significance for Autosomal recessive distal spinal muscular atrophy 1. Last evaluated: 2017-04-28. Review status: criteria provided, single submitter. Criteria: ICSL Variant Classification Criteria 13 December 2019. Collection method: clinical testing. Allele origin: germline.
Comment: This variant was observed as part of a predisposition screen in an ostensibly healthy population. A literature search was performed for the gene, cDNA change, and amino acid change (where applicable). Publications were found based on this search. However, the evidence from the literature, in combination with allele frequency data from public databases where available, was not sufficient to rule this variant in or out of causing disease. Therefore, this variant is classified as a variant of unknown significance.

Literature cited by the submitters: PubMed 27450922 (cited by Illumina Laboratory Services, Illumina).